The following is an entry in ClinVar:

NM_001256071.3(RNF213):c.14195A>C (p.Lys4732Thr)

Genes: RNF213 (ring finger protein 213; plus strand), RNF213-AS1 (RNF213 antisense RNA 1; minus strand). Cytogenetic location: 17q25.3.
Variant type: single nucleotide variant.
Coding change: c.14195A>C on transcript NM_001256071.3 (MANE Select); coding-DNA position 14195, A replaced by C.
Protein change: p.Lys4732Thr; replaces lysine 4732 with threonine.
Molecular consequence: missense variant.
Genome position (GRCh38, 1-based): chr17:80,383,801, A>C. VCF-style: chr17-80383801-A-C. GRCh37 (hg19) VCF-style: chr17-78357601-A-C.
Other names: short protein forms K4732T.
Identifiers: ClinVar variation 210003 (VCV000210003.31), dbSNP rs148776624, ClinGen allele CA205015.
Genomic context (GRCh38, chr17:80,383,801, plus strand): 5'-ACCCTGTGGCCAAAATAATATATGGTGACCCAGTGACCTTCCTGCCCCACCTGCCCCGGA[A>C]AAGTGTGGTCCATTGCTCTAAGATTTGGAGCTGCAGGAAAAGAATTACAGTTGAGTACCT-3'
Protein context (NP_001243000.2, residues 4722-4742): PVTFLPHLPR[Lys4732Thr]SVVHCSKIWS

ClinVar aggregate classification (germline): Conflicting classifications of pathogenicity. Review status: criteria provided, conflicting classifications (1 of 4 stars). 5 submissions from 5 submitters: Uncertain significance (2); Benign (1); Likely benign (1). 1 of the submissions does not count toward it. Last evaluated 2026-04-01.

Conditions:
Moyamoya disease 2 (MYMY2). Also called: MOYAMOYA DISEASE 2, SUSCEPTIBILITY TO. Identifiers: Orphanet 2573, MedGen C1846689, MONDO:0011784, OMIM 607151.

Allele frequency attached by ClinVar (database versions not stated): TOPMed 0.00025; gnomAD 0.00030 and 0.00016; ESP Exome Variant Server 0.00038; gnomAD exomes 0.00042 and 0.00072; 1000 Genomes Project 30x 0.00094; ExAC 0.00095; 1000 Genomes Project 0.00120.
gnomAD v4.1: 684 of 1,614,168 alleles (0.042%); highest among the groups gnomAD compares: South Asian, 0.36%; 4 homozygotes.

Submissions (5):

CeGaT Center for Human Genetics Tuebingen
Classification: Likely benign. Last evaluated: 2026-04-01. Review status: criteria provided, single submitter. Criteria: CeGaT Center For Human Genetics Tuebingen Variant Classification Criteria Version 2. Collection method: clinical testing. Allele origin: germline. Affected: yes. Observed: 2 variant alleles.
Comment: RNF213: BP4, BS2

Labcorp Genetics (formerly Invitae), Labcorp
Classification: Benign. Last evaluated: 2025-02-20. Review status: criteria provided, single submitter. Criteria: Invitae Variant Classification Sherloc (09022015). Collection method: clinical testing. Allele origin: germline.

Centre of Medical Genetics, University Hospital Muenster
Classification: Uncertain significance. Last evaluated: 2021-12-07. Review status: criteria provided, single submitter. Criteria: ACMG Guidelines, 2015. Collection method: clinical testing. Allele origin: unknown. Affected: yes. Observed: 1 variant allele, 1 heterozygote.
Comment: ACMG categories: PM1,BP6

Neuberg Centre For Genomic Medicine, NCGM
Classification: Uncertain significance for Moyamoya disease 2. Review status: criteria provided, single submitter. Criteria: ACMG Guidelines, 2015. Collection method: clinical testing. Allele origin: germline. Inheritance: Autosomal dominant inheritance. Affected: yes.
Comment: The missense variant c.14195A>C(p.Lys4732Thr) in RNF213 gene has been reported in individuals affected with susceptibility to moyamoya disease 2 (Jang et. al., 2017; Alana C et. al., 2014). The observed variant is a polymorphic variant having allele frequency of 0.07% in gnomAD exomes database. This variant has been submitted to the ClinVar database as Benign / Uncertain Significance (VUS). The amino acid change p.Lys4732Thr in RNF213 is predicted as conserved by PhyloP across 100 vertebrates. The amino acid Lys at position 4732 is changed to a Thr changing protein sequence and it might alter its composition and physicochemical properties. For these reasons, this variant has been classified as Uncertain Significance (VUS).

Department of Internal Medicine, University of Texas Health Science Center at Houston
Classification: Uncertain significance for Moyamoya disease 2. Last evaluated: 2014-09-08. Review status: no assertion criteria provided. Collection method: research. Allele origin: germline. Affected: yes. Not counted in ClinVar's aggregate classification.

Literature cited by the submitters: PubMed 25278557 (cited by Centre of Medical Genetics, University Hospital Muenster and Department of Internal Medicine, University of Texas Health Science Center at Houston).